The following is an entry in ClinVar:

ClinVar aggregate classification (germline): Uncertain significance (1 of 4 stars; one submission).

Conditions:
Cardiovascular phenotype. Identifiers: MedGen CN230736.

gnomAD v4.1: 2 of 1,548,436 alleles (0.00013%); highest among the groups gnomAD compares: Non-Finnish European, 0.00017%; no homozygotes.

Submission:

Ambry Genetics
Classification: Uncertain significance for Cardiovascular phenotype. Last evaluated: 2024-02-26. Review status: criteria provided, single submitter. Criteria: Ambry Variant Classification Scheme 2023. Collection method: clinical testing. Allele origin: germline.
Comment: The p.R69L variant (also known as c.206G>T), located in coding exon 1 of the LOX gene, results from a G to T substitution at nucleotide position 206. The arginine at codon 69 is replaced by leucine, an amino acid with dissimilar properties. This amino acid position is conserved. In addition, this alteration is predicted to be tolerated by in silico analysis. Based on the available evidence, the clinical significance of this alteration remains unclear.

NM_002317.7(LOX):c.206G>T (p.Arg69Leu)

Genes: LOX (lysyl oxidase; minus strand), SRFBP1 (serum response factor binding protein 1; plus strand). Cytogenetic location: 5q23.1.
Variant type: single nucleotide variant.
Coding change: c.206G>T on transcript NM_002317.7 (MANE Select); coding-DNA position 206, G replaced by T.
Protein change: p.Arg69Leu; replaces arginine 69 with leucine.
Molecular consequence: missense variant.
Genome position (GRCh38, 1-based): chr5:122,077,780, C>A on the plus strand (G>T on the coding strand, the complement: LOX is on the minus strand). VCF-style: chr5-122077780-C-A. GRCh37 (hg19) VCF-style: chr5-121413475-C-A.
Other names: short protein forms R69L.
Identifiers: ClinVar variation 3222070 (VCV003222070.1), dbSNP rs1257821615, ClinGen allele CA360877549.